The following is an entry in ClinVar:

ClinVar aggregate classification (germline): Uncertain significance (1 of 4 stars; one submission).

Conditions:
Developmental and epileptic encephalopathy, 1 (DEE1). Also called: INFANTILE SPASM SYNDROME, X-LINKED 1; X-linked infantile spasms; West's syndrome; Tonic spasms with clustering, arrest of psychomotor development and hypsarrhythmia on EEG; X-Linked Infantile Spasm Syndrome; OHTAHARA SYNDROME, X-LINKED. Identifiers: MedGen C3463992, MONDO:0010632, OMIM 308350. Disease mechanism: loss of function.
Intellectual disability, X-linked, with or without seizures, ARX-related. Also called: MENTAL RETARDATION, X-LINKED 29; MENTAL RETARDATION, X-LINKED 32; MENTAL RETARDATION, X-LINKED 33; MENTAL RETARDATION, X-LINKED 38; MENTAL RETARDATION, X-LINKED 43; MENTAL RETARDATION, X-LINKED 76. Identifiers: Orphanet 777, MedGen C0796244, MONDO:0010317, OMIM 300419.

Submission:

Labcorp Genetics (formerly Invitae), Labcorp
Classification: Uncertain significance for Developmental and epileptic encephalopathy, 1; Intellectual disability, X-linked, with or without seizures, ARX-related. Last evaluated: 2024-10-12. Review status: criteria provided, single submitter. Criteria: Invitae Variant Classification Sherloc (09022015). Collection method: clinical testing. Allele origin: germline.
Comment: This sequence change replaces proline, which is neutral and non-polar, with threonine, which is neutral and polar, at codon 74 of the ARX protein (p.Pro74Thr). The frequency data for this variant in the population databases is considered unreliable, as metrics indicate insufficient coverage at this position in the gnomAD database. This variant has not been reported in the literature in individuals affected with ARX-related conditions. Invitae Evidence Modeling of protein sequence and biophysical properties (such as structural, functional, and spatial information, amino acid conservation, physicochemical variation, residue mobility, and thermodynamic stability) indicates that this missense variant is not expected to disrupt ARX protein function with a negative predictive value of 95%. In summary, the available evidence is currently insufficient to determine the role of this variant in disease. Therefore, it has been classified as a Variant of Uncertain Significance.

NM_139058.3(ARX):c.220C>A (p.Pro74Thr)

Gene: ARX (aristaless related homeobox; minus strand). Cytogenetic location: Xp21.3.
Variant type: single nucleotide variant.
Coding change: c.220C>A on transcript NM_139058.3 (MANE Select); coding-DNA position 220, C replaced by A.
Protein change: p.Pro74Thr; replaces proline 74 with threonine.
Molecular consequence: missense variant.
Genome position (GRCh38, 1-based): chrX:25,013,775, G>T on the plus strand (C>A on the coding strand, the complement: ARX is on the minus strand). VCF-style: chrX-25013775-G-T. GRCh37 (hg19) VCF-style: chrX-25031892-G-T.
Other names: short protein forms P74T.
Identifiers: ClinVar variation 3753787 (VCV003753787.2).